The following is an entry in ClinVar:

NM_000245.4(MET):c.2878C>A (p.Gln960Lys)

Gene: MET (MET proto-oncogene, receptor tyrosine kinase; plus strand). Cytogenetic location: 7q31.2.
Variant type: single nucleotide variant.
Coding change: c.2878C>A on transcript NM_000245.4 (MANE Select); coding-DNA position 2878, C replaced by A.
Protein change: p.Gln960Lys; replaces glutamine 960 with lysine.
Molecular consequence: missense variant.
Genome position (GRCh38, 1-based): chr7:116,771,645, C>A. VCF-style: chr7-116771645-C-A. GRCh37 (hg19) VCF-style: chr7-116411699-C-A.
Other names: c.2932C>A, p.Gln978Lys (NM_001127500.3); c.1588C>A, p.Gln530Lys (NM_001324402.2); short protein forms Q960K, Q978K, Q530K.
Identifiers: ClinVar variation 1470365 (VCV001470365.8), dbSNP rs2116993223, ClinGen allele CA368986780.
Genomic context (GRCh38, chr7:116,771,645, plus strand): 5'-TCAATATCAACAGCACTGTTATTACTACTTGGGTTTTTCCTGTGGCTGAAAAAGAGAAAG[C>A]AAATTAAAGGTGCATTTTTGTTACTGTTCATTTTTAGAAGTTACCTTAAGAACACAGTCA-3'
Protein context (NP_000236.2, residues 950-970): GFFLWLKKRK[Gln960Lys]IKDLGSELVR

ClinVar aggregate classification (germline): Uncertain significance (1 of 4 stars; one submission).

Conditions:
Renal cell carcinoma. Identifiers: Orphanet 217071, MedGen C0007134, MeSH D002292, MONDO:0005086, HP:0005584.

Allele frequency attached by ClinVar (database versions not stated): gnomAD exomes below 0.00001.
gnomAD v4.1: 1 of 1,613,698 alleles (0.000062%); highest among the groups gnomAD compares: Non-Finnish European, 0.000085%; no homozygotes.

Submission:

Labcorp Genetics (formerly Invitae), Labcorp
Classification: Uncertain significance for Renal cell carcinoma. Last evaluated: 2024-04-10. Review status: criteria provided, single submitter. Criteria: Invitae Variant Classification Sherloc (09022015). Collection method: clinical testing. Allele origin: germline.
Comment: This sequence change replaces glutamine, which is neutral and polar, with lysine, which is basic and polar, at codon 978 of the MET protein (p.Gln978Lys). This variant is not present in population databases (gnomAD no frequency). This variant has not been reported in the literature in individuals affected with MET-related conditions. ClinVar contains an entry for this variant (Variation ID: 1470365). Advanced modeling of protein sequence and biophysical properties (such as structural, functional, and spatial information, amino acid conservation, physicochemical variation, residue mobility, and thermodynamic stability) performed at Invitae indicates that this missense variant is not expected to disrupt MET protein function with a negative predictive value of 80%. In summary, the available evidence is currently insufficient to determine the role of this variant in disease. Therefore, it has been classified as a Variant of Uncertain Significance.